The following is an entry in ClinVar:

ClinVar aggregate classification (germline): Pathogenic (1 of 4 stars; one submission).

Submission:

Labcorp Genetics (formerly Invitae), Labcorp
Classification: Pathogenic. Last evaluated: 2022-05-20. Review status: criteria provided, single submitter. Criteria: Invitae Variant Classification Sherloc (09022015). Collection method: clinical testing. Allele origin: germline.
Comment: A similar copy number variant has been observed in individual(s) with retinitis pigmentosa (PMID: 32531858). This variant is a gross deletion of the genomic region encompassing exon(s) 1-5 of the EYS gene, which includes the initiator codon. This deletion extends beyond the assayed region for this gene and therefore may encompass additional genes. It is expected to result in an absent or disrupted protein product. Loss-of-function variants in EYS are known to be pathogenic (PMID: 18836446, 20333770). For these reasons, this variant has been classified as Pathogenic.

Literature cited by the submitters: PubMed 32531858; PubMed 18836446; PubMed 20333770.

NC_000006.11:g.(?_66200477)_(66417039_?)del

Gene: EYS (eyes shut homolog; minus strand). Cytogenetic location: 6q12.
Variant type: Deletion.
Identifiers: ClinVar variation 2423835 (VCV002423835.4).